The following is an entry in ClinVar:

ClinVar aggregate classification (germline): Uncertain significance (1 of 4 stars; one submission).

Conditions:
Combined immunodeficiency with skin granulomas. Identifiers: Orphanet 157949, MedGen C2673536, MONDO:0009306, OMIM 233650.
Severe combined immunodeficiency, autosomal recessive, T cell-negative, B cell-negative, NK cell-positive. Also called: Severe combined immunodeficiency due to complete RAG1/2 deficiency; SCID, T CELL-NEGATIVE, B CELL-NEGATIVE, NK CELL-POSITIVE; SCID, AR, T-cell negative, B-cell negative, NK cell-positive. Identifiers: Orphanet 331206, MedGen C1832322, MONDO:0011086, OMIM 601457.

Submission:

Labcorp Genetics (formerly Invitae), Labcorp
Classification: Uncertain significance for Combined immunodeficiency with skin granulomas; Severe combined immunodeficiency, autosomal recessive, T cell-negative, B cell-negative, NK cell-positive. Last evaluated: 2022-07-12. Review status: criteria provided, single submitter. Criteria: Invitae Variant Classification Sherloc (09022015). Collection method: clinical testing. Allele origin: germline.
Comment: This sequence change replaces glutamic acid, which is acidic and polar, with glycine, which is neutral and non-polar, at codon 341 of the RAG1 protein (p.Glu341Gly). This variant is not present in population databases (gnomAD no frequency). This variant has not been reported in the literature in individuals affected with RAG1-related conditions. Advanced modeling of protein sequence and biophysical properties (such as structural, functional, and spatial information, amino acid conservation, physicochemical variation, residue mobility, and thermodynamic stability) performed at Invitae indicates that this missense variant is not expected to disrupt RAG1 protein function. In summary, the available evidence is currently insufficient to determine the role of this variant in disease. Therefore, it has been classified as a Variant of Uncertain Significance.

NM_000448.3(RAG1):c.1022A>G (p.Glu341Gly)

Gene: RAG1 (recombination activating 1; plus strand). Cytogenetic location: 11p12.
Variant type: single nucleotide variant.
Coding change: c.1022A>G on transcript NM_000448.3 (MANE Select); coding-DNA position 1022, A replaced by G.
Protein change: p.Glu341Gly; replaces glutamic acid 341 with glycine.
Molecular consequence: missense variant.
Genome position (GRCh38, 1-based): chr11:36,574,326, A>G. VCF-style: chr11-36574326-A-G. GRCh37 (hg19) VCF-style: chr11-36595876-A-G.
Other names: c.1022A>G, p.Glu341Gly (NM_001377277.1, NM_001377278.1, NM_001377279.1 and 1 more transcripts); short protein forms E341G.
Identifiers: ClinVar variation 2061464 (VCV002061464.1), dbSNP rs2494754232, ClinGen allele CA380151028.
Genomic context (GRCh38, chr11:36,574,326, plus strand): 5'-TCAAAGTCATGGGCAGCTATTGTCCCTCTTGCCGATATCCATGCTTCCCTACTGACCTGG[A>G]GAGTCCAGTGAAGTCCTTTCTGAGCGTCTTGAATTCCCTGATGGTGAAATGTCCAGCAAA-3'
Protein context (NP_000439.2, residues 331-351): CRYPCFPTDL[Glu341Gly]SPVKSFLSVL